The following is an entry in ClinVar:

ClinVar aggregate classification (germline): Benign/Likely benign. Review status: criteria provided, multiple submitters, no conflicts (2 of 4 stars). 3 submissions from 3 submitters: Benign (1); Likely benign (1). 1 of the submissions does not count toward it. Last evaluated 2025-12-30.

Conditions:
BMP1-related disorder. Also called: BMP1-related condition.

Allele frequency attached by ClinVar (database versions not stated): TOPMed 0.00005; ESP Exome Variant Server 0.00008; gnomAD exomes 0.00008 and 0.00011; ExAC 0.00013; gnomAD 0.00013.
gnomAD v4.1: 129 of 1,613,914 alleles (0.008%); highest among the groups gnomAD compares: Non-Finnish European, 0.0095%; 1 homozygote.

Submissions (3):

Labcorp Genetics (formerly Invitae), Labcorp
Classification: Benign. Last evaluated: 2025-12-30. Review status: criteria provided, single submitter. Criteria: Invitae Variant Classification Sherloc (09022015). Collection method: clinical testing. Allele origin: germline.

Blueprint Genetics
Classification: Likely benign. Last evaluated: 2024-10-29. Review status: criteria provided, single submitter. Criteria: ACMG Guidelines, 2015. Collection method: clinical testing. Allele origin: germline.

PreventionGenetics, part of Exact Sciences
Classification: Likely benign for BMP1-related condition. Last evaluated: 2019-10-15. Review status: no assertion criteria provided. Collection method: clinical testing. Allele origin: germline. Not counted in ClinVar's aggregate classification.
Comment: This variant is classified as likely benign based on ACMG/AMP sequence variant interpretation guidelines (Richards et al. 2015 PMID: 25741868, with internal and published modifications).

NM_006129.5(BMP1):c.434-4G>A

Gene: BMP1 (bone morphogenetic protein 1; plus strand). Cytogenetic location: 8p21.3.
Variant type: single nucleotide variant.
Coding change: c.434-4G>A on transcript NM_006129.5 (MANE Select); 4 bases into the intron before coding-DNA position 434, G replaced by A.
Molecular consequence: intron variant.
Genome position (GRCh38, 1-based): chr8:22,176,529, G>A. VCF-style: chr8-22176529-G-A. GRCh37 (hg19) VCF-style: chr8-22034042-G-A.
Other names: c.434-4G>A (NM_001199.4).
Identifiers: ClinVar variation 795164 (VCV000795164.10), dbSNP rs372410226, ClinGen allele CA4664270.